The following is an entry in ClinVar:

NM_033118.4(MYLK2):c.125A>G (p.Lys42Arg)

Gene: MYLK2 (myosin light chain kinase 2; plus strand). Cytogenetic location: 20q11.21.
Variant type: single nucleotide variant.
Coding change: c.125A>G on transcript NM_033118.4 (MANE Select); coding-DNA position 125, A replaced by G.
Protein change: p.Lys42Arg; replaces lysine 42 with arginine.
Molecular consequence: missense variant.
Genome position (GRCh38, 1-based): chr20:31,820,198, A>G. VCF-style: chr20-31820198-A-G. GRCh37 (hg19) VCF-style: chr20-30408001-A-G.
Other names: short protein forms K42R.
Identifiers: ClinVar variation 1518083 (VCV001518083.12), dbSNP rs150342605, ClinGen allele CA9802846.

ClinVar aggregate classification (germline): Uncertain significance. Review status: criteria provided, multiple submitters, no conflicts (2 of 4 stars). 4 submissions from 4 submitters: Uncertain significance (4). Last evaluated 2026-03-13.

Conditions:
Hypertrophic cardiomyopathy 1 (CMH1). Also called: MYH7-Related Familial Hypertrophic Cardiomyopathy; Familial hypertrophic cardiomyopathy 1. Identifiers: MedGen C3495498, MONDO:0008647, OMIM 192600.

Allele frequency attached by ClinVar (database versions not stated): gnomAD exomes below 0.00001 and 0.00002; ExAC 0.00001; gnomAD 0.00001 and 0.00002; TOPMed 0.00002; ESP Exome Variant Server 0.00008.
gnomAD v4.1: 34 of 1,613,932 alleles (0.0021%); highest among the groups gnomAD compares: Non-Finnish European, 0.0028%; no homozygotes.

Submissions (4):

Women's Health and Genetics/Laboratory Corporation of America, LabCorp
Classification: Uncertain significance. Last evaluated: 2026-03-13. Review status: criteria provided, single submitter. Criteria: LabCorp Variant Classification Summary - May 2015. Collection method: clinical testing. Allele origin: germline.

Labcorp Genetics (formerly Invitae), Labcorp
Classification: Uncertain significance for Hypertrophic cardiomyopathy 1. Last evaluated: 2025-09-27. Review status: criteria provided, single submitter. Criteria: Invitae Variant Classification Sherloc (09022015). Collection method: clinical testing. Allele origin: germline.
Comment: This sequence change replaces lysine, which is basic and polar, with arginine, which is basic and polar, at codon 42 of the MYLK2 protein (p.Lys42Arg). This variant is present in population databases (rs150342605, gnomAD 0.002%). This variant has not been reported in the literature in individuals affected with MYLK2-related conditions. ClinVar contains an entry for this variant (Variation ID: 1518083). Invitae Evidence Modeling of protein sequence and biophysical properties (such as structural, functional, and spatial information, amino acid conservation, physicochemical variation, residue mobility, and thermodynamic stability) indicates that this missense variant is not expected to disrupt MYLK2 protein function with a negative predictive value of 80%. In summary, the available evidence is currently insufficient to determine the role of this variant in disease. Therefore, it has been classified as a Variant of Uncertain Significance.

GeneDx
Classification: Uncertain significance. Last evaluated: 2024-07-05. Review status: criteria provided, single submitter. Criteria: GeneDx Variant Classification Process June 2021. Collection method: clinical testing. Allele origin: germline. Affected: yes.
Comment: Has not been previously published as pathogenic or benign to our knowledge; Not observed at significant frequency in large population cohorts (gnomAD); In silico analysis indicates that this missense variant does not alter protein structure/function

Ambry Genetics
Classification: Uncertain significance. Last evaluated: 2023-12-08. Review status: criteria provided, single submitter. Criteria: Ambry Variant Classification Scheme 2023. Collection method: clinical testing. Allele origin: germline.
Comment: The p.K42R variant (also known as c.125A>G), located in coding exon 2 of the MYLK2 gene, results from an A to G substitution at nucleotide position 125. The lysine at codon 42 is replaced by arginine, an amino acid with highly similar properties. This amino acid position is conserved. In addition, this alteration is predicted to be tolerated by in silico analysis. Since supporting evidence is limited at this time, the clinical significance of this alteration remains unclear.